The following is an entry in ClinVar:

ClinVar aggregate classification (germline): Uncertain significance (1 of 4 stars; one submission).

Conditions:
Baraitser-Winter syndrome 1 (BRWS1). Also called: PACHYGYRIA, MENTAL RETARDATION, EPILEPSY, AND CHARACTERISTIC FACIES; Cerebrofrontofacial syndrome; BARAITSER-WINTER SYNDROME 1, ATYPICAL; MENTAL RETARDATION WITH EPILEPSY AND CHARACTERISTIC FACIES. Identifiers: Orphanet 2649, Orphanet 2995, MedGen C1855722, MONDO:0009470, OMIM 243310.

Submission:

Labcorp Genetics (formerly Invitae), Labcorp
Classification: Uncertain significance for Baraitser-Winter syndrome 1. Last evaluated: 2022-06-24. Review status: criteria provided, single submitter. Criteria: Invitae Variant Classification Sherloc (09022015). Collection method: clinical testing. Allele origin: germline.
Comment: In summary, the available evidence is currently insufficient to determine the role of this variant in disease. Therefore, it has been classified as a Variant of Uncertain Significance. Experimental studies and prediction algorithms are not available or were not evaluated, and the functional significance of this variant is currently unknown. This variant has not been reported in the literature in individuals affected with ACTB-related conditions. This variant results in a copy number gain of the genomic region encompassing exon(s) 4-6 of the ACTB gene. This region includes the termination codon of the gene. This copy number gain extends beyond the assayed region for this gene and therefore may encompass additional genes. As the precise location of this event is unknown, it may be in tandem or it may be located elsewhere in the genome.

NC_000007.13:g.(?_5567379)_(5568370_?)dup

Gene: ACTB (actin beta; minus strand). Cytogenetic location: 7p22.1.
Variant type: Duplication.
Identifiers: ClinVar variation 2423708 (VCV002423708.3).